The following is an entry in ClinVar:

NM_018975.4(TERF2IP):c.689C>T (p.Thr230Ile)

Gene: TERF2IP (TERF2 interacting protein; plus strand). Cytogenetic location: 16q23.1.
Variant type: single nucleotide variant.
Coding change: c.689C>T on transcript NM_018975.4 (MANE Select); coding-DNA position 689, C replaced by T.
Protein change: p.Thr230Ile; replaces threonine 230 with isoleucine.
Molecular consequence: missense variant. On other transcripts: non-coding transcript variant (1).
Genome position (GRCh38, 1-based): chr16:75,654,291, C>T. VCF-style: chr16-75654291-C-T. GRCh37 (hg19) VCF-style: chr16-75688189-C-T.
Other names: short protein forms T230I.
Identifiers: ClinVar variation 1756029 (VCV001756029.2), dbSNP rs770669001, ClinGen allele CA8178063.
Genomic context (GRCh38, chr16:75,654,291, plus strand): 5'-AAAGAGGCTATTGCTAATCTGTGCTGTTCTTCTCTTTAACAGAACCACAGAATAAGAGAA[C>T]TCCAGATTTGCCTGAAGAAGAGTATGTGAAGGAAGAAATCCAGGAGAATGAAGAAGCAGT-3'
Protein context (NP_061848.2, residues 220-240): ADSGEPQNKR[Thr230Ile]PDLPEEEYVK

ClinVar aggregate classification (germline): Uncertain significance (1 of 4 stars; one submission).

Allele frequency attached by ClinVar (database versions not stated): gnomAD exomes below 0.00001; ExAC 0.00001.
gnomAD v4.1: 1 of 1,612,684 alleles (0.000062%); highest among the groups gnomAD compares: Non-Finnish European, 0.000085%; no homozygotes.

Submission:

Ambry Genetics
Classification: Uncertain significance. Last evaluated: 2022-06-28. Review status: criteria provided, single submitter. Criteria: Ambry Variant Classification Scheme 2023. Collection method: clinical testing. Allele origin: germline.
Comment: The p.T230I variant (also known as c.689C>T), located in coding exon 2 of the TERF2IP gene, results from a C to T substitution at nucleotide position 689. The threonine at codon 230 is replaced by isoleucine, an amino acid with similar properties. This amino acid position is conserved. In addition, this alteration is predicted to be tolerated by in silico analysis. Since supporting evidence is limited at this time, the clinical significance of this alteration remains unclear.